The following is an entry in ClinVar:

ClinVar aggregate classification (germline): Likely benign. Review status: criteria provided, multiple submitters, no conflicts (2 of 4 stars). 3 submissions from 3 submitters: Likely benign (2). 1 of the submissions does not count toward it. Last evaluated 2024-10-14.

Conditions:
SCYL1-related disorder. Also called: SCYL1-related condition.

Allele frequency attached by ClinVar (database versions not stated): gnomAD 0.00009; gnomAD exomes 0.00010; TOPMed 0.00010; ExAC 0.00018; ESP Exome Variant Server 0.00032.
gnomAD v4.1: 173 of 1,613,024 alleles (0.011%); highest among the groups gnomAD compares: Middle Eastern, 0.17%; no homozygotes.

Submissions (3):

Blueprint Genetics
Classification: Likely benign. Last evaluated: 2024-10-14. Review status: criteria provided, single submitter. Criteria: ACMG Guidelines, 2015. Collection method: clinical testing. Allele origin: germline.

Labcorp Genetics (formerly Invitae), Labcorp
Classification: Likely benign. Last evaluated: 2024-02-14. Review status: criteria provided, single submitter. Criteria: Invitae Variant Classification Sherloc (09022015). Collection method: clinical testing. Allele origin: germline.

PreventionGenetics, part of Exact Sciences
Classification: Likely benign for SCYL1-related condition. Last evaluated: 2019-02-21. Review status: no assertion criteria provided. Collection method: clinical testing. Allele origin: germline. Not counted in ClinVar's aggregate classification.
Comment: This variant is classified as likely benign based on ACMG/AMP sequence variant interpretation guidelines (Richards et al. 2015 PMID: 25741868, with internal and published modifications).

NM_020680.4(SCYL1):c.384C>T (p.Leu128=)

Gene: SCYL1 (SCY1 like pseudokinase 1; plus strand). Cytogenetic location: 11q13.1.
Variant type: single nucleotide variant.
Coding change: c.384C>T on transcript NM_020680.4 (MANE Select); coding-DNA position 384, C replaced by T.
Protein change: p.Leu128=; no amino-acid change (leucine 128 retained).
Molecular consequence: synonymous variant.
Genome position (GRCh38, 1-based): chr11:65,526,132, C>T. VCF-style: chr11-65526132-C-T. GRCh37 (hg19) VCF-style: chr11-65293603-C-T.
Other names: c.384C>T, p.Leu128= (NM_001048218.2, NM_001411022.1).
Identifiers: ClinVar variation 2185611 (VCV002185611.7), dbSNP rs373601396, ClinGen allele CA6099491.